The following is an entry in ClinVar:

NM_020533.3(MCOLN1):c.1168del (p.Leu390fs)

Gene: MCOLN1 (mucolipin TRP cation channel 1; plus strand). Cytogenetic location: 19p13.2.
Variant type: Deletion.
Coding change: c.1168del on transcript NM_020533.3 (MANE Select); coding-DNA position 1168, one base deleted (C; older notation c.1168delC).
Protein change: p.Leu390fs; shifts the reading frame from leucine 390.
Molecular consequence: frameshift variant.
Genome position (GRCh38, 1-based): chr19:7,529,134, C deleted; the last of 2 consecutive C bases (chr19:7,529,133-7,529,134); deleting either gives the same sequence. VCF-style (leftmost placement, unchanged base first): chr19-7529132-TC-T. GRCh37 (hg19) VCF-style: chr19-7594018-TC-T.
Other names: short protein forms L390fs.
Identifiers: ClinVar variation 5013764 (VCV005013764.1).
Genomic context (GRCh38, chr19:7,529,132, plus strand): 5'-AGATAGGTTGACGCAGCTCCCACCCGCAGAACTTGGCGAGCTACGACGTCTGCAGCATCC[TC>T]CTGGGCACCTCGACGCTGCTGGTGTGGGTGGGCGTGATCCGCTACCTGACCTTCTTCCAC-3'

ClinVar aggregate classification (germline): Pathogenic (1 of 4 stars; one submission).

Conditions:
Mucolipidosis type IV (ML4). Also called: ML IV. Identifiers: Orphanet 578, MedGen C0238286, MONDO:0009653, OMIM 252650.

Submission:

Myriad Genetics, Inc.
Classification: Pathogenic for Mucolipidosis type IV. Last evaluated: 2024-11-17. Review status: criteria provided, single submitter. Criteria: Myriad Autosomal Dominant, Autosomal Recessive and X-Linked Classification Criteria (2023). Collection method: clinical testing. Allele origin: unknown.
Comment: NM_020533.2(MCOLN1):c.1168delC(L390Wfs*12) is expected to be pathogenic in the context of mucolipidosis IV. This variant is predicted to lead to an abnormal or absent protein product due to the creation of a premature termination codon in MCOLN1, a gene where loss-of-function variants are known to be pathogenic. Please note: this variant was assessed in the context of healthy population screening.